The following is an entry in ClinVar:

ClinVar aggregate classification (germline): Conflicting classifications of pathogenicity. Review status: criteria provided, conflicting classifications (1 of 4 stars). 2 submissions from 2 submitters: Pathogenic (1); Uncertain significance (1). Last evaluated 2026-09-08.

Conditions:
Fabry disease. Also called: Ceramide trihexosidosis; Fabry's disease; HEREDITARY DYSTOPIC LIPIDOSIS; Angiokeratoma corporis diffusum; ALPHA-GALACTOSIDASE A DEFICIENCY; ANDERSON-FABRY DISEASE. Identifiers: Orphanet 324, MedGen C0002986, MONDO:0010526, OMIM 301500, HP:0001071. Disease mechanism: Fabry disease is due to inactivating mutations in the X-linked GLA gene resulting in deficiency of the enzyme Alpha Galactosidase-A., loss of function.

Submissions (2):

Genomenon, Inc
Classification: Pathogenic for Fabry disease. Last evaluated: 2026-09-08. Review status: criteria provided, single submitter. Criteria: Genomenon Sequence Variant Interpretation Standards - Updated. Collection method: curation. Allele origin: germline. Affected: yes.
Comment: GLA p.Trp44Cys (c.132G>C) is a missense variant that changes the amino acid at codon 44 from Tryptophan to Cysteine. This variant has been observed in at least one proband with clinical features consistent with Fabry disease (PMID:37940383;33258999). At least one functional study has demonstrated a substantial alteration in protein function relative to the wild-type (PMID:27657681). This variant is located in a mutational hotspot and/or important functional domain. It is absent or not present at a significant frequency in gnomAD. In silico models predict that this variant is possibly or probably damaging. In conclusion, we classify GLA p.Trp44Cys (c.132G>C) as a pathogenic variant.

Eurofins Ntd Llc (ga)
Classification: Uncertain significance. Last evaluated: 2012-09-05. Review status: criteria provided, single submitter. Criteria: EGL Classification Definitions 2015. Collection method: clinical testing. Allele origin: germline. Observed: 1 variant allele, 1 heterozygote.

Literature cited by the submitters: PubMed 37940383 (cited by Genomenon, Inc); PubMed 33258999 (cited by Genomenon, Inc); PubMed 27657681 (cited by Genomenon, Inc).

NM_000169.3(GLA):c.132G>C (p.Trp44Cys)

Genes: GLA (galactosidase alpha; minus strand), RPL36A-HNRNPH2 (RPL36A-HNRNPH2 readthrough; plus strand). Cytogenetic location: Xq22.1.
Variant type: single nucleotide variant.
Coding change: c.132G>C on transcript NM_000169.3 (MANE Select); coding-DNA position 132, G replaced by C.
Protein change: p.Trp44Cys; replaces tryptophan 44 with cysteine.
Molecular consequence: missense variant. On other transcripts: non-coding transcript variant (3), intron variant (2).
Genome position (GRCh38, 1-based): chrX:101,407,772, C>G on the plus strand (G>C on the coding strand, the complement: GLA is on the minus strand). VCF-style: chrX-101407772-C-G. GRCh37 (hg19) VCF-style: chrX-100662760-C-G.
Other names: c.301-4164C>G (NM_001199973.2); c.178-4164C>G (NM_001199974.2); c.132G>C, p.Trp44Cys (NM_001406747.1, NM_001406748.1, NM_001406749.1).
Identifiers: ClinVar variation 92542 (VCV000092542.7), dbSNP rs398123202, ClinGen allele CA021525.
Genomic context (GRCh38, chrX:101,407,772, plus strand): 5'-GATGCAGGAATCTGGCTCTTCCTGGCAGTCAAGGTTGCACATGAAGCGCTCCCAGTGCAG[C>G]CAGCCCATGGTAGGCGTCCTTGCCAATCCATTGTCCAGTGCTCTAGCCCCAGGGATGTCC-3'
Protein context (NP_000160.1, residues 34-54): NGLARTPTMG[Trp44Cys]LHWERFMCNL